The following is an entry in ClinVar:

NM_000419.5(ITGA2B):c.2267+1G>T

Gene: ITGA2B (integrin subunit alpha 2b; minus strand). Cytogenetic location: 17q21.31.
Variant type: single nucleotide variant.
Coding change: c.2267+1G>T on transcript NM_000419.5 (MANE Select); the canonical splice donor site of the intron after coding-DNA position 2267, G replaced by T.
Molecular consequence: splice donor variant.
Genome position (GRCh38, 1-based): chr17:44,377,008, C>A on the plus strand (G>T on the coding strand, the complement: ITGA2B is on the minus strand). VCF-style: chr17-44377008-C-A. GRCh37 (hg19) VCF-style: chr17-42454376-C-A.
Identifiers: ClinVar variation 953038 (VCV000953038.4), dbSNP rs2048550327, ClinGen allele CA399798124.

ClinVar aggregate classification (germline): Pathogenic (3 of 4 stars; one submission).

Conditions:
Glanzmann thrombasthenia. Also called: BLEEDING DISORDER, PLATELET-TYPE, 2; THROMBASTHENIA OF GLANZMANN AND NAEGELI; PLATELET GLYCOPROTEIN IIb-IIIa DEFICIENCY; Glanzmann's thrombasthenia; Thrombasthenia. Identifiers: Orphanet 849, MedGen C0040015, MONDO:0100326.

Submission:

ClinGen Platelet Disorders Variant Curation Expert Panel, ClinGen
Classification: Pathogenic for Glanzmann thrombasthenia. Last evaluated: 2022-12-01. Review status: reviewed by expert panel. Criteria: ClinGen Platelet ACMG Specifications v2-1. Collection method: curation. Allele origin: germline. Inheritance: Autosomal recessive inheritance.
Comment: NM_000419.4:c.2267+1G>T is a canonical splice site variant that alters the donor site in intron 22. This is expected to result in aberrant splicing with skipping of exon 22 resulting in a frameshift with a premature stop codon in exon 24 which would lead to NMD (PVS1). It is absent from population databases (PM2_supporting). The variant is reported in 1 compound heterozygous individual with the Gln778Pro pathogenic variant in trans (PMID: 29675921; PM3_supporting). In summary, this variant is classified as pathogenic. GT-specific criteria applied: PVS1, PM2_Supporting, PM3_Supporting, and PP4_Strong.

Literature cited by the submitters: PubMed 29675921.